The following is an entry in ClinVar:

ClinVar aggregate classification (germline): Conflicting classifications of pathogenicity. Review status: criteria provided, conflicting classifications (1 of 4 stars). 3 submissions from 3 submitters: Uncertain significance (2); Likely benign (1). Last evaluated 2026-06-01.

Conditions:
Cardiovascular phenotype. Identifiers: MedGen CN230736.

Allele frequency attached by ClinVar (database versions not stated): gnomAD 0.00002 and 0.00003; TOPMed 0.00003; 1000 Genomes Project 30x 0.00016; 1000 Genomes Project 0.00020.
gnomAD v4.1: 50 of 1,549,944 alleles (0.0032%); highest among the groups gnomAD compares: Middle Eastern, 0.067%; no homozygotes.

Submissions (3):

CeGaT Center for Human Genetics Tuebingen
Classification: Uncertain significance. Last evaluated: 2026-06-01. Review status: criteria provided, single submitter. Criteria: CeGaT Center For Human Genetics Tuebingen Variant Classification Criteria Version 2. Collection method: clinical testing. Allele origin: germline. Affected: yes. Observed: 2 variant alleles.
Comment: ZNF469: PM2, BP4

Ambry Genetics
Classification: Likely benign for Cardiovascular phenotype. Last evaluated: 2024-05-19. Review status: criteria provided, single submitter. Criteria: Ambry Variant Classification Scheme 2023. Collection method: clinical testing. Allele origin: germline.

Labcorp Genetics (formerly Invitae), Labcorp
Classification: Uncertain significance. Last evaluated: 2021-09-17. Review status: criteria provided, single submitter. Criteria: Invitae Variant Classification Sherloc (09022015). Collection method: clinical testing. Allele origin: germline.
Comment: This sequence change replaces arginine with histidine at codon 3828 of the ZNF469 protein (p.Arg3828His). The arginine residue is moderately conserved and there is a small physicochemical difference between arginine and histidine. This variant is not present in population databases (ExAC no frequency). This variant has not been reported in the literature in individuals affected with ZNF469-related conditions. Algorithms developed to predict the effect of missense changes on protein structure and function are either unavailable or do not agree on the potential impact of this missense change (SIFT: "Tolerated"; PolyPhen-2: "Probably Damaging"; Align-GVGD: "Class C0"). In summary, the available evidence is currently insufficient to determine the role of this variant in disease. Therefore, it has been classified as a Variant of Uncertain Significance.

NM_001367624.2(ZNF469):c.11567G>A (p.Arg3856His)

Gene: ZNF469 (zinc finger protein 469; plus strand). Cytogenetic location: 16q24.2.
Variant type: single nucleotide variant.
Coding change: c.11567G>A on transcript NM_001367624.2 (MANE Select); coding-DNA position 11567, G replaced by A.
Protein change: p.Arg3856His; replaces arginine 3856 with histidine.
Molecular consequence: missense variant.
Genome position (GRCh38, 1-based): chr16:88,439,037, G>A. VCF-style: chr16-88439037-G-A. GRCh37 (hg19) VCF-style: chr16-88505445-G-A.
Other names: NM_001127464.1:c.11483G>A; short protein forms R3856H.
Identifiers: ClinVar variation 1012879 (VCV001012879.42), dbSNP rs187075195, ClinGen allele CA286388240.
Genomic context (GRCh38, chr16:88,439,037, plus strand): 5'-GAGCCCCCTCAGCCCCTGACAAGCCCCCCCGGACCCCTCGGAAGCAGGCAACTCCCAGCC[G>A]CGTGCTCCCGACCAAGCCCAAGCCCAACAGCCAGAACAAACCCAGGCCGCCACCATCAGA-3'
Protein context (NP_001354553.1, residues 3846-3866): RTPRKQATPS[Arg3856His]VLPTKPKPNS